The following is an entry in ClinVar:

ClinVar aggregate classification (germline): Uncertain significance (1 of 4 stars; one submission).

Submission:

Ambry Genetics
Classification: Uncertain significance. Last evaluated: 2023-03-06. Review status: criteria provided, single submitter. Criteria: Ambry Variant Classification Scheme 2023. Collection method: clinical testing. Allele origin: germline.
Comment: The p.S301N variant (also known as c.902G>A), located in coding exon 3 of the ALPK2 gene, results from a G to A substitution at nucleotide position 902. The serine at codon 301 is replaced by asparagine, an amino acid with highly similar properties. This amino acid position is conserved. In addition, this alteration is predicted to be tolerated by in silico analysis. Since supporting evidence is limited at this time, the clinical significance of this alteration remains unclear.

NM_052947.4(ALPK2):c.902G>A (p.Ser301Asn)

Genes: ALPK2 (alpha kinase 2; minus strand), LOC114803473 (ALPK2 eExon liver enhancer; plus strand). Cytogenetic location: 18q21.31.
Variant type: single nucleotide variant.
Coding change: c.902G>A on transcript NM_052947.4 (MANE Select); coding-DNA position 902, G replaced by A.
Protein change: p.Ser301Asn; replaces serine 301 with asparagine.
Molecular consequence: missense variant.
Genome position (GRCh38, 1-based): chr18:58,579,874, C>T on the plus strand (G>A on the coding strand, the complement: ALPK2 is on the minus strand). VCF-style: chr18-58579874-C-T. GRCh37 (hg19) VCF-style: chr18-56247106-C-T.
Other names: short protein forms S301N.
Identifiers: ClinVar variation 2497274 (VCV002497274.2), dbSNP rs2518899704, ClinGen allele CA402566848.